The following is an entry in ClinVar:

ClinVar aggregate classification (germline): Uncertain significance (1 of 4 stars; one submission).

Conditions:
DICER1-related tumor predisposition. Also called: DICER1-related pleuropulmonary blastoma cancer predisposition syndrome; DICER1 syndrome. Identifiers: Orphanet 284343, MedGen C3839822, MONDO:0100216.

Submission:

Labcorp Genetics (formerly Invitae), Labcorp
Classification: Uncertain significance for DICER1-related tumor predisposition. Last evaluated: 2022-08-30. Review status: criteria provided, single submitter. Criteria: Invitae Variant Classification Sherloc (09022015). Collection method: clinical testing. Allele origin: germline.
Comment: This variant is not present in population databases (gnomAD no frequency). This sequence change replaces isoleucine, which is neutral and non-polar, with phenylalanine, which is neutral and non-polar, at codon 1594 of the DICER1 protein (p.Ile1594Phe). This variant has not been reported in the literature in individuals affected with DICER1-related conditions. In summary, the available evidence is currently insufficient to determine the role of this variant in disease. Therefore, it has been classified as a Variant of Uncertain Significance. Algorithms developed to predict the effect of missense changes on protein structure and function (SIFT, PolyPhen-2, Align-GVGD) all suggest that this variant is likely to be tolerated.

NM_177438.3(DICER1):c.4780A>T (p.Ile1594Phe)

Gene: DICER1 (dicer 1, ribonuclease III; minus strand). Cytogenetic location: 14q32.13.
Variant type: single nucleotide variant.
Coding change: c.4780A>T on transcript NM_177438.3 (MANE Select); coding-DNA position 4780, A replaced by T.
Protein change: p.Ile1594Phe; replaces isoleucine 1594 with phenylalanine.
Molecular consequence: missense variant. On other transcripts: non-coding transcript variant (6).
Genome position (GRCh38, 1-based): chr14:95,096,140, T>A on the plus strand (A>T on the coding strand, the complement: DICER1 is on the minus strand). VCF-style: chr14-95096140-T-A. GRCh37 (hg19) VCF-style: chr14-95562477-T-A.
Other names: c.4780A>T, p.Ile1594Phe (NM_001195573.1, NM_001271282.3, NM_001291628.2 and 13 more transcripts); c.4498A>T, p.Ile1500Phe (NM_001395686.1); c.4375A>T, p.Ile1459Phe (NM_001395687.1, NM_001395688.1, NM_001395689.1 and 2 more transcripts); c.4213A>T, p.Ile1405Phe (NM_001395691.1); c.3097A>T, p.Ile1033Phe (NM_001395697.1); short protein forms I1500F, I1033F, I1594F, I1405F, I1459F.
Identifiers: ClinVar variation 2093015 (VCV002093015.4), dbSNP rs1890306057, ClinGen allele CA390867197.
Genomic context (GRCh38, chr14:95,096,140, plus strand): 5'-GTTGGCTGTTGAAATTCTCCCGAGTAGGGCACAGGGCCTTTTCCCGATCAGTCCTTTTAA[T>A]TACCGGGAGCACCTTCAGCCCCAGTGAACAGAGGAAAAGCTGAGCAGCCCTCTCCCCACA-3'
Protein context (NP_803187.1, residues 1584-1604): CSLGLKVLPV[Ile1594Phe]KRTDREKALC